The following is an entry in ClinVar:

NM_015425.6(POLR1A):c.5151G>T (p.Gln1717His)

Gene: POLR1A (RNA polymerase I subunit A; minus strand). Cytogenetic location: 2p11.2.
Variant type: single nucleotide variant.
Coding change: c.5151G>T on transcript NM_015425.6 (MANE Select); coding-DNA position 5151, G replaced by T.
Protein change: p.Gln1717His; replaces glutamine 1717 with histidine.
Molecular consequence: missense variant.
Genome position (GRCh38, 1-based): chr2:86,027,435, C>A on the plus strand (G>T on the coding strand, the complement: POLR1A is on the minus strand). VCF-style: chr2-86027435-C-A. GRCh37 (hg19) VCF-style: chr2-86254558-C-A.
Other names: short protein forms Q1717H.
Identifiers: ClinVar variation 3691531 (VCV003691531.2).

ClinVar aggregate classification (germline): Uncertain significance (1 of 4 stars; one submission).

gnomAD v4.1: 1 of 1,614,056 alleles (0.000062%); highest among the groups gnomAD compares: Non-Finnish European, 0.000085%; no homozygotes.

Submission:

Labcorp Genetics (formerly Invitae), Labcorp
Classification: Uncertain significance. Last evaluated: 2024-07-23. Review status: criteria provided, single submitter. Criteria: Invitae Variant Classification Sherloc (09022015). Collection method: clinical testing. Allele origin: germline.
Comment: This sequence change replaces glutamine, which is neutral and polar, with histidine, which is basic and polar, at codon 1717 of the POLR1A protein (p.Gln1717His). This variant is present in population databases (no rsID available, gnomAD 0.0009%). This variant has not been reported in the literature in individuals affected with POLR1A-related conditions. Advanced modeling of protein sequence and biophysical properties (such as structural, functional, and spatial information, amino acid conservation, physicochemical variation, residue mobility, and thermodynamic stability) performed at Invitae indicates that this missense variant is expected to disrupt POLR1A protein function with a positive predictive value of 80%. In summary, the available evidence is currently insufficient to determine the role of this variant in disease. Therefore, it has been classified as a Variant of Uncertain Significance.